The following is an entry in ClinVar:

ClinVar aggregate classification (germline): Uncertain significance. Review status: criteria provided, multiple submitters, no conflicts (2 of 4 stars). 2 submissions from 2 submitters: Uncertain significance (2). Last evaluated 2022-08-16.

Conditions:
Inborn genetic diseases. Identifiers: MedGen C0950123, MeSH D030342.
Multiple sulfatase deficiency (MSD). Also called: Mucosulfatidosis; Multiple Sulfatase Deficiency Disease; Sulfatidosis, Juvenile, Austin Type. Identifiers: Orphanet 585, MedGen C0268263, MONDO:0010088, OMIM 272200.

gnomAD v4.1: 14 of 1,610,412 alleles (0.00087%); highest among the groups gnomAD compares: Admixed American, 0.015%; no homozygotes.

Submissions (2):

Labcorp Genetics (formerly Invitae), Labcorp
Classification: Uncertain significance for Multiple sulfatase deficiency. Last evaluated: 2022-08-16. Review status: criteria provided, single submitter. Criteria: Invitae Variant Classification Sherloc (09022015). Collection method: clinical testing. Allele origin: germline.
Comment: This sequence change replaces leucine, which is neutral and non-polar, with valine, which is neutral and non-polar, at codon 6 of the SUMF1 protein (p.Leu6Val). This variant is present in population databases (rs774160105, gnomAD 0.02%). This variant has not been reported in the literature in individuals affected with SUMF1-related conditions. ClinVar contains an entry for this variant (Variation ID: 1419578). Algorithms developed to predict the effect of missense changes on protein structure and function output the following: SIFT: "Tolerated"; PolyPhen-2: "Benign"; Align-GVGD: "Class C0". The valine amino acid residue is found in multiple mammalian species, which suggests that this missense change does not adversely affect protein function. Algorithms developed to predict the effect of sequence changes on RNA splicing suggest that this variant may create or strengthen a splice site. In summary, the available evidence is currently insufficient to determine the role of this variant in disease. Therefore, it has been classified as a Variant of Uncertain Significance.

Ambry Genetics
Classification: Uncertain significance for Inborn genetic diseases. Last evaluated: 2021-12-17. Review status: criteria provided, single submitter. Criteria: Ambry Variant Classification Scheme 2023. Collection method: clinical testing. Allele origin: germline.

NM_182760.4(SUMF1):c.16C>G (p.Leu6Val)

Gene: SUMF1 (sulfatase modifying factor 1; minus strand). Cytogenetic location: 3p26.1.
Variant type: single nucleotide variant.
Coding change: c.16C>G on transcript NM_182760.4 (MANE Select); coding-DNA position 16, C replaced by G.
Protein change: p.Leu6Val; replaces leucine 6 with valine.
Molecular consequence: missense variant.
Genome position (GRCh38, 1-based): chr3:4,467,230, G>C on the plus strand (C>G on the coding strand, the complement: SUMF1 is on the minus strand). VCF-style: chr3-4467230-G-C. GRCh37 (hg19) VCF-style: chr3-4508914-G-C.
Other names: c.16C>G, p.Leu6Val (NM_001164674.2, NM_001164675.2); c.16C>G (NM_182760.3); short protein forms L6V.
Identifiers: ClinVar variation 1419578 (VCV001419578.4), dbSNP rs774160105, ClinGen allele CA2230749.